The following is an entry in ClinVar:

ClinVar aggregate classification (germline): Likely benign. Review status: criteria provided, multiple submitters, no conflicts (2 of 4 stars). 2 submissions from 2 submitters: Likely benign (2). Last evaluated 2018-06-20.

Allele frequency attached by ClinVar (database versions not stated): 1000 Genomes Project 30x 0.01515; ESP Exome Variant Server 0.00191; gnomAD 0.00466 and 0.00316; TOPMed 0.00363; gnomAD exomes 0.00590 and 0.00919; ExAC 0.01468; 1000 Genomes Project 0.01558.
gnomAD v4.1: 8,931 of 1,551,286 alleles (0.58%); highest among the groups gnomAD compares: East Asian, 3.9%; 134 homozygotes.

Submissions (2):

GeneDx
Classification: Likely benign. Last evaluated: 2018-06-20. Review status: criteria provided, single submitter. Criteria: GeneDx Variant Classification (06012015). Collection method: clinical testing. Allele origin: germline. Affected: yes.
Comment: This variant is considered likely benign or benign based on one or more of the following criteria: it is a conservative change, it occurs at a poorly conserved position in the protein, it is predicted to be benign by multiple in silico algorithms, and/or has population frequency not consistent with disease.

Breakthrough Genomics
Classification: Likely benign. Review status: criteria provided, single submitter. Criteria: ACMG Guidelines, 2015. Collection method: not provided. Allele origin: germline. Inheritance: Autosomal dominant inheritance. Affected: yes.

NM_201596.3(CACNB2):c.213+110392C>T

Genes: CACNB2 (calcium voltage-gated channel auxiliary subunit beta 2; plus strand), CACNB2-AS2 (CACNB2 antisense RNA 2; minus strand). Cytogenetic location: 10p12.33.
Variant type: single nucleotide variant.
Coding change: c.213+110392C>T on transcript NM_201596.3 (MANE Select); 110392 bases into the intron after coding-DNA position 213, C replaced by T.
Molecular consequence: intron variant.
Genome position (GRCh38, 1-based): chr10:18,261,367, C>T. VCF-style: chr10-18261367-C-T. GRCh37 (hg19) VCF-style: chr10-18550296-C-T.
Other names: c.129+110392C>T (NM_201571.4, NM_001167945.2, NM_201572.4); c.213+110392C>T (NM_201593.3, NM_201597.3); c.48+50C>T (NM_000724.4, NM_001330060.2).
Identifiers: ClinVar variation 673269 (VCV000673269.4), dbSNP rs145811885, ClinGen allele CA5429456.